The following is an entry in ClinVar:

ClinVar aggregate classification (germline): Uncertain significance. Review status: criteria provided, multiple submitters, no conflicts (2 of 4 stars). 2 submissions from 2 submitters: Uncertain significance (2). Last evaluated 2024-10-29.

Conditions:
Inborn genetic diseases. Identifiers: MedGen C0950123, MeSH D030342.

Allele frequency attached by ClinVar (database versions not stated): gnomAD 0.00003; ExAC 0.00004; TOPMed 0.00006.
gnomAD v4.1: 8 of 1,556,548 alleles (0.00051%); highest among the groups gnomAD compares: African/African-American, 0.0095%; no homozygotes.

Submissions (2):

Ambry Genetics
Classification: Uncertain significance for Inborn genetic diseases. Last evaluated: 2024-10-29. Review status: criteria provided, single submitter. Criteria: Ambry Variant Classification Scheme 2023. Collection method: clinical testing. Allele origin: germline.

GeneDx
Classification: Uncertain significance. Last evaluated: 2022-08-26. Review status: criteria provided, single submitter. Criteria: GeneDx Variant Classification Process June 2021. Collection method: clinical testing. Allele origin: germline. Affected: yes.
Comment: In silico analysis supports that this missense variant does not alter protein structure/function; Has not been previously published as pathogenic or benign to our knowledge

NM_001377.3(DYNC2H1):c.3190G>A (p.Gly1064Ser)

Gene: DYNC2H1 (dynein cytoplasmic 2 heavy chain 1; plus strand). Cytogenetic location: 11q22.3.
Variant type: single nucleotide variant.
Coding change: c.3190G>A on transcript NM_001377.3 (MANE Select); coding-DNA position 3190, G replaced by A.
Protein change: p.Gly1064Ser; replaces glycine 1064 with serine.
Molecular consequence: missense variant.
Genome position (GRCh38, 1-based): chr11:103,153,396, G>A. VCF-style: chr11-103153396-G-A. GRCh37 (hg19) VCF-style: chr11-103024125-G-A.
Other names: c.3190G>A, p.Gly1064Ser (NM_001080463.2); short protein forms G1064S.
Identifiers: ClinVar variation 2442603 (VCV002442603.2), dbSNP rs752810251, ClinGen allele CA6253274.